The following is an entry in ClinVar:

ClinVar aggregate classification (germline): Likely pathogenic (1 of 4 stars; one submission).

Conditions:
Candidiasis, familial, 8 (CANDF8). Identifiers: Orphanet 1334, MedGen C3714992, MONDO:0014230, OMIM 615527.

Submission:

3billion
Classification: Likely pathogenic for Candidiasis, familial, 8. Last evaluated: 2025-05-30. Review status: criteria provided, single submitter. Criteria: ACMG Guidelines, 2015. Collection method: clinical testing. Allele origin: germline. Affected: yes.
Comment: The variant is observed at an extremely low frequency in the gnomAD v4.1.0 dataset (total allele frequency: <0.001%). Predicted Consequence/Location: Frameshift: predicted to result in a loss or disruption of normal protein function through nonsense-mediated decay (NMD) or protein truncation. Multiple pathogenic variants are reported downstream of the variant. Therefore, this variant is classified as Likely pathogenic according to the recommendation of ACMG/AMP guideline.

NM_147686.4(TRAF3IP2):c.648del (p.Leu218fs)

Genes: TRAF3IP2 (TRAF3 interacting protein 2; minus strand), TRAF3IP2-AS1 (TRAF3IP2 antisense RNA 1; plus strand), LOC114803478 (TRAF3IP2 eExon liver enhancer; plus strand). Cytogenetic location: 6q21.
Variant type: Deletion.
Coding change: c.648del on transcript NM_147686.4 (MANE Select); coding-DNA position 648, one base deleted (G; older notation c.648delG).
Protein change: p.Leu218fs; shifts the reading frame from leucine 218.
Molecular consequence: frameshift variant.
Genome position (GRCh38, 1-based): chr6:111,591,439, C deleted on the plus strand (G on the coding strand, the reverse complement: TRAF3IP2 is on the minus strand). VCF-style (leftmost placement, unchanged base first): chr6-111591438-GC-G. GRCh37 (hg19) VCF-style: chr6-111912641-GC-G.
Other names: c.648del, p.Leu218fs (NM_001164281.3); c.675del, p.Leu227fs (NM_147200.3); short protein forms L218fs, L227fs.
Identifiers: ClinVar variation 4855459 (VCV004855459.1).